The following is an entry in ClinVar:

NM_007083.5(NUDT6):c.55G>C (p.Gly19Arg)

Gene: NUDT6 (nudix hydrolase 6; minus strand). Cytogenetic location: 4q28.1.
Variant type: single nucleotide variant.
Coding change: c.55G>C on transcript NM_007083.5 (MANE Select); coding-DNA position 55, G replaced by C.
Protein change: p.Gly19Arg; replaces glycine 19 with arginine.
Molecular consequence: missense variant. On other transcripts: intron variant (1).
Genome position (GRCh38, 1-based): chr4:122,922,518, C>G on the plus strand (G>C on the coding strand, the complement: NUDT6 is on the minus strand). VCF-style: chr4-122922518-C-G. GRCh37 (hg19) VCF-style: chr4-123843673-C-G.
Other names: c.-270+283G>C (NM_198041.3); short protein forms G19R.
Identifiers: ClinVar variation 3037688 (VCV003037688.2), dbSNP rs114290529, ClinGen allele CA3070017.

ClinVar aggregate classification (germline): Benign (0 of 4 stars; one submission).

Conditions:
NUDT6-related disorder. Also called: NUDT6-related condition.

Allele frequency attached by ClinVar (database versions not stated): ExAC 0.00415; gnomAD 0.01214; ESP Exome Variant Server 0.01301; TOPMed 0.01320; 1000 Genomes Project 0.01498; 1000 Genomes Project 30x 0.01624.
gnomAD v4.1: 3,908 of 1,608,402 alleles (0.24%); highest among the groups gnomAD compares: African/African-American, 4.1%; 72 homozygotes.

Submission:

PreventionGenetics, part of Exact Sciences
Classification: Benign for NUDT6-related condition. Last evaluated: 2020-01-06. Review status: no assertion criteria provided. Collection method: clinical testing. Allele origin: germline.
Comment: This variant is classified as benign based on ACMG/AMP sequence variant interpretation guidelines (Richards et al. 2015 PMID: 25741868, with internal and published modifications).